The following is an entry in ClinVar:

ClinVar aggregate classification (germline): Conflicting classifications of pathogenicity. Review status: criteria provided, conflicting classifications (1 of 4 stars). 8 submissions from 8 submitters: Uncertain significance (1); Benign (3); Likely benign (3). 1 of the submissions does not count toward it. Last evaluated 2026-07-01.

Conditions:
LRRK2-related disorder. Also called: LRRK2-related condition.
Autosomal dominant Parkinson disease 8. Also called: LRRK2-Related Parkinson Disease; Parkinson disease 8; Parkinson disease 8, susceptibility to. Identifiers: Orphanet 411602, MedGen C1846862, MONDO:0011764, OMIM 607060.

Allele frequency attached by ClinVar (database versions not stated): TOPMed 0.00044; ESP Exome Variant Server 0.00069; 1000 Genomes Project 30x 0.00109; 1000 Genomes Project 0.00140; gnomAD 0.00254 and 0.00266; gnomAD exomes 0.00283 and 0.00143; ExAC 0.00298.
gnomAD v4.1: 2,453 of 1,609,600 alleles (0.15%); highest among the groups gnomAD compares: Non-Finnish European, 0.072%; 19 homozygotes.

Submissions (8):

CeGaT Center for Human Genetics Tuebingen
Classification: Benign. Last evaluated: 2026-07-01. Review status: criteria provided, single submitter. Criteria: CeGaT Center For Human Genetics Tuebingen Variant Classification Criteria Version 2. Collection method: clinical testing. Allele origin: germline. Affected: yes. Observed: 11 variant alleles.
Comment: LRRK2: BP4, BS1, BS2

Labcorp Genetics (formerly Invitae), Labcorp
Classification: Benign for Autosomal dominant Parkinson disease 8. Last evaluated: 2025-12-27. Review status: criteria provided, single submitter. Criteria: Invitae Variant Classification Sherloc (09022015). Collection method: clinical testing. Allele origin: germline.

PreventionGenetics, part of Exact Sciences
Classification: Likely benign for LRRK2-related condition. Last evaluated: 2025-02-05. Review status: criteria provided, single submitter. Criteria: ACMG Guidelines, 2015. Collection method: clinical testing. Allele origin: germline.
Comment: This variant is classified as likely benign based on ACMG/AMP sequence variant interpretation guidelines (Richards et al. 2015 PMID: 25741868, with internal and published modifications).

Blueprint Genetics
Classification: Likely benign. Last evaluated: 2024-11-22. Review status: criteria provided, single submitter. Criteria: ACMG Guidelines, 2015. Collection method: clinical testing. Allele origin: germline.

Athena Diagnostics
Classification: Benign. Last evaluated: 2020-11-11. Review status: criteria provided, single submitter. Criteria: Athena Diagnostics criteria. Collection method: clinical testing. Allele origin: unknown.

Mendelics
Classification: Uncertain significance for Autosomal dominant Parkinson disease 8. Last evaluated: 2019-05-28. Review status: criteria provided, single submitter. Criteria: Mendelics Assertion Criteria 2017. Collection method: clinical testing. Allele origin: unknown.

Illumina Laboratory Services, Illumina
Classification: Likely benign for Autosomal dominant Parkinson disease 8. Last evaluated: 2018-03-06. Review status: criteria provided, single submitter. Criteria: ICSL Variant Classification Criteria 13 December 2019. Collection method: clinical testing. Allele origin: germline.
Comment: This variant was observed in the ICSL laboratory as part of a predisposition screen in an ostensibly healthy population. It had not been previously curated by ICSL or reported in the Human Gene Mutation Database (HGMD: prior to June 1st, 2018), and was therefore a candidate for classification through an automated scoring system. Utilizing variant allele frequency, disease prevalence and penetrance estimates, and inheritance mode, an automated score was calculated to assess if this variant is too frequent to cause the disease. Based on the score and internal cut-off values, a variant classified as likely benign is not then subjected to further curation. The score for this variant resulted in a classification of likely benign for this disease.

GeneReviews
No classification provided. Condition: Autosomal dominant Parkinson disease 8. Review status: no classification provided. Collection method: literature only. Allele origin: unknown. Not counted in ClinVar's aggregate classification.

Literature cited by the submitters: PubMed 17804834 (cited by Athena Diagnostics); PubMed 24488318 (cited by Athena Diagnostics); PubMed 22988870 (cited by Athena Diagnostics); PubMed 20642453 (cited by Athena Diagnostics); PubMed 21885347 (cited by Athena Diagnostics); PubMed 25360523 (cited by Athena Diagnostics); PubMed 20301387 (cited by GeneReviews); NCBI Bookshelf NBK1208 (cited by GeneReviews).

NM_198578.4(LRRK2):c.1000G>A (p.Glu334Lys)

Gene: LRRK2 (leucine rich repeat kinase 2; plus strand). Cytogenetic location: 12q12.
Variant type: single nucleotide variant.
Coding change: c.1000G>A on transcript NM_198578.4 (MANE Select); coding-DNA position 1000, G replaced by A.
Protein change: p.Glu334Lys; replaces glutamic acid 334 with lysine.
Molecular consequence: missense variant.
Genome position (GRCh38, 1-based): chr12:40,251,273, G>A. VCF-style: chr12-40251273-G-A. GRCh37 (hg19) VCF-style: chr12-40645075-G-A.
Other names: short protein forms E334K.
Identifiers: ClinVar variation 39128 (VCV000039128.65), dbSNP rs78501232, ClinGen allele CA343467.